The following is an entry in ClinVar:

NM_020843.4(SCAPER):c.2351A>G (p.Lys784Arg)

Gene: SCAPER (S-phase cyclin A associated protein in the ER; minus strand). Cytogenetic location: 15q24.3.
Variant type: single nucleotide variant.
Coding change: c.2351A>G on transcript NM_020843.4 (MANE Select); coding-DNA position 2351, A replaced by G.
Protein change: p.Lys784Arg; replaces lysine 784 with arginine.
Molecular consequence: missense variant. On other transcripts: non-coding transcript variant (1).
Genome position (GRCh38, 1-based): chr15:76,702,899, T>C on the plus strand (A>G on the coding strand, the complement: SCAPER is on the minus strand). VCF-style: chr15-76702899-T-C. GRCh37 (hg19) VCF-style: chr15-76995240-T-C.
Other names: c.1613A>G, p.Lys538Arg (NM_001145923.2); c.2369A>G, p.Lys790Arg (NM_001353009.2); c.1949A>G, p.Lys650Arg (NM_001353010.2, NM_001353012.2); c.1967A>G, p.Lys656Arg (NM_001353011.2); short protein forms K650R, K656R, K538R, K790R, K784R.
Identifiers: ClinVar variation 4988130 (VCV004988130.1).

ClinVar aggregate classification (germline): Uncertain significance (1 of 4 stars; one submission).

Conditions:
SCAPER-related disorder. Also called: SCAPER-related condition.

gnomAD v4.1: 3 of 1,610,558 alleles (0.00019%); highest among the groups gnomAD compares: Middle Eastern, 0.017%; no homozygotes.

Submission:

PreventionGenetics, part of Exact Sciences
Classification: Uncertain significance for SCAPER-related condition. Last evaluated: 2026-06-03. Review status: criteria provided, single submitter. Criteria: ACMG Guidelines, 2015. Collection method: clinical testing. Allele origin: germline.
Comment: The SCAPER c.2369A>G variant is predicted to result in the amino acid substitution p.Lys790Arg. To our knowledge, this variant has not been reported in the literature. This variant is reported in 0.00089% of alleles in individuals of European (Non-Finnish) descent in gnomAD. At this time, the clinical significance of this variant is uncertain due to the absence of conclusive functional and genetic evidence.